The following is an entry in ClinVar:

NM_000310.4(PPT1):c.726+9C>T

Gene: PPT1 (palmitoyl-protein thioesterase 1; minus strand). Cytogenetic location: 1p34.2.
Variant type: single nucleotide variant.
Coding change: c.726+9C>T on transcript NM_000310.4 (MANE Select); 9 bases into the intron after coding-DNA position 726, C replaced by T.
Molecular consequence: intron variant.
Genome position (GRCh38, 1-based): chr1:40,078,551, G>A on the plus strand (C>T on the coding strand, the complement: PPT1 is on the minus strand). VCF-style: chr1-40078551-G-A. GRCh37 (hg19) VCF-style: chr1-40544223-G-A.
Other names: c.417+9C>T (NM_001142604.2); c.726+9C>T (NM_001363695.2).
Identifiers: ClinVar variation 516508 (VCV000516508.9), dbSNP rs1024088820, ClinGen allele CA21005735.
Genomic context (GRCh38, chr1:40,078,551, plus strand): 5'-CGTGCCCGGCCAGCAGCCCTATTTTAATGCCATTTACTCTCCTGGCATGTGGCCTAAGTA[G>A]TGTCTCACCTCCGAATCTACAGGGTCCACAATGGAATCATTGAGGAATTTCACCATCACA-3'

ClinVar aggregate classification (germline): Likely benign. Review status: criteria provided, multiple submitters, no conflicts (2 of 4 stars). 2 submissions from 2 submitters: Likely benign (2). Last evaluated 2025-11-13.

Conditions:
Neuronal ceroid lipofuscinosis 1 (CLN1). Also called: PPT1-Related Neuronal Ceroid-Lipofuscinosis; CEROID LIPOFUSCINOSIS, NEURONAL, 1, VARIABLE AGE AT ONSET. Identifiers: Orphanet 228329, MedGen C1850451, MONDO:0009744, OMIM 256730.

Allele frequency attached by ClinVar (database versions not stated): gnomAD exomes 0.00001 and 0.00002; gnomAD 0.00002; TOPMed 0.00003.
gnomAD v4.1: 12 of 1,611,404 alleles (0.00074%); highest among the groups gnomAD compares: Admixed American, 0.0033%; no homozygotes.

Submissions (2):

Labcorp Genetics (formerly Invitae), Labcorp
Classification: Likely benign for Neuronal ceroid lipofuscinosis 1. Last evaluated: 2025-11-13. Review status: criteria provided, single submitter. Criteria: Invitae Variant Classification Sherloc (09022015). Collection method: clinical testing. Allele origin: germline.

GeneDx
Classification: Likely benign. Last evaluated: 2017-05-04. Review status: criteria provided, single submitter. Criteria: GeneDx Variant Classification (06012015). Collection method: clinical testing. Allele origin: germline. Affected: yes.
Comment: This variant is considered likely benign or benign based on one or more of the following criteria: it is a conservative change, it occurs at a poorly conserved position in the protein, it is predicted to be benign by multiple in silico algorithms, and/or has population frequency not consistent with disease.